The following is an entry in ClinVar:

NM_002641.4(PIGA):c.322C>A (p.His108Asn)

Gene: PIGA (phosphatidylinositol glycan anchor biosynthesis class A; minus strand). Cytogenetic location: Xp22.2.
Variant type: single nucleotide variant.
Coding change: c.322C>A on transcript NM_002641.4 (MANE Select); coding-DNA position 322, C replaced by A.
Protein change: p.His108Asn; replaces histidine 108 with asparagine.
Molecular consequence: missense variant. On other transcripts: non-coding transcript variant (1), intron variant (1).
Genome position (GRCh38, 1-based): chrX:15,331,609, G>T on the plus strand (C>A on the coding strand, the complement: PIGA is on the minus strand). VCF-style: chrX-15331609-G-T. GRCh37 (hg19) VCF-style: chrX-15349731-G-T.
Other names: c.13+3892C>A (NM_020473.3); short protein forms H108N.
Identifiers: ClinVar variation 936192 (VCV000936192.10), dbSNP rs1922156380, ClinGen allele CA412340543.

ClinVar aggregate classification (germline): Uncertain significance (1 of 4 stars; one submission).

Conditions:
Multiple congenital anomalies-hypotonia-seizures syndrome 2 (MCAHS2). Also called: EPILEPTIC ENCEPHALOPATHY, EARLY INFANTILE, 20; GLYCOSYLPHOSPHATIDYLINOSITOL BIOSYNTHESIS DEFECT 4. Identifiers: Orphanet 300496, MedGen C3275508, MONDO:0010466, OMIM 300868.

Submission:

Labcorp Genetics (formerly Invitae), Labcorp
Classification: Uncertain significance for Multiple congenital anomalies-hypotonia-seizures syndrome 2. Last evaluated: 2020-08-06. Review status: criteria provided, single submitter. Criteria: Invitae Variant Classification Sherloc (09022015). Collection method: clinical testing. Allele origin: germline.
Comment: Algorithms developed to predict the effect of missense changes on protein structure and function are either unavailable or do not agree on the potential impact of this missense change (SIFT: "Tolerated"; PolyPhen-2: "Possibly Damaging"; Align-GVGD: "Class C0"). In summary, the available evidence is currently insufficient to determine the role of this variant in disease. Therefore, it has been classified as a Variant of Uncertain Significance. This variant has not been reported in the literature in individuals with PIGA-related conditions. This variant is not present in population databases (ExAC no frequency). This sequence change replaces histidine with asparagine at codon 108 of the PIGA protein (p.His108Asn). The histidine residue is moderately conserved and there is a small physicochemical difference between histidine and asparagine.